The following is an entry in ClinVar:

NM_000284.4(PDHA1):c.*1926G>C

Genes: MAP3K15 (mitogen-activated protein kinase kinase kinase 15; minus strand), PDHA1 (pyruvate dehydrogenase E1 subunit alpha 1; plus strand). Cytogenetic location: Xp22.12.
Variant type: single nucleotide variant.
Coding change: c.*1926G>C on transcript NM_000284.4 (MANE Select); 1926 bases downstream of the stop codon, G replaced by C.
Molecular consequence: 3 prime UTR variant. On other transcripts: missense variant (1).
Genome position (GRCh38, 1-based): chrX:19,361,579, G>C. VCF-style: chrX-19361579-G-C. GRCh37 (hg19) VCF-style: chrX-19379697-G-C.
Other names: c.3694C>G, p.Pro1232Ala (NM_001001671.4); c.*1926G>C (NM_001173454.2, NM_001173455.2, NM_001173456.2); short protein forms P1232A.
Identifiers: ClinVar variation 913386 (VCV000913386.4), dbSNP rs778062708, ClinGen allele CA10363359.

ClinVar aggregate classification (germline): Likely benign (1 of 4 stars; one submission).

Conditions:
Pyruvate dehydrogenase E1-alpha deficiency (PDHAD). Also called: ATAXIA, INTERMITTENT, WITH PYRUVATE DEHYDROGENASE DEFICIENCY; ATAXIA WITH LACTIC ACIDOSIS I; ATAXIA, INTERMITTENT, WITH ABNORMAL PYRUVATE METABOLISM; Ataxia, intermittent, with pyruvate dehydrogenase, or decarboxylase, deficiency. Identifiers: Orphanet 79243, MedGen C1839413, MONDO:0010717, OMIM 312170.

Allele frequency attached by ClinVar (database versions not stated): gnomAD 0.00001; gnomAD exomes 0.00001 and 0.00004; ExAC 0.00005; TOPMed 0.00006.
gnomAD v4.1: 15 of 1,203,919 alleles (0.0012%); highest among the groups gnomAD compares: East Asian, 0.044%; no homozygotes.

Submission:

Illumina Laboratory Services, Illumina
Classification: Likely benign for Pyruvate dehydrogenase E1-alpha deficiency. Last evaluated: 2018-01-13. Review status: criteria provided, single submitter. Criteria: ICSL Variant Classification Criteria 13 December 2019. Collection method: clinical testing. Allele origin: germline.
Comment: This variant was observed in the ICSL laboratory as part of a predisposition screen in an ostensibly healthy population. It had not been previously curated by ICSL or reported in the Human Gene Mutation Database (HGMD: prior to June 1st, 2018), and was therefore a candidate for classification through an automated scoring system. Utilizing variant allele frequency, disease prevalence and penetrance estimates, and inheritance mode, an automated score was calculated to assess if this variant is too frequent to cause the disease. Based on the score and internal cut-off values, a variant classified as likely benign is not then subjected to further curation. The score for this variant resulted in a classification of likely benign for this disease.